The following is an entry in ClinVar:

ClinVar aggregate classification (germline): Uncertain significance (1 of 4 stars; one submission).

Submission:

GeneDx
Classification: Uncertain significance. Last evaluated: 2022-01-13. Review status: criteria provided, single submitter. Criteria: GeneDx Variant Classification Process June 2021. Collection method: clinical testing. Allele origin: germline. Affected: yes.
Comment: Not observed at significant frequency in large population cohorts (gnomAD); In silico analysis supports that this missense variant has a deleterious effect on protein structure/function; Has not been previously published as pathogenic or benign to our knowledge; Variants in candidate genes are classified as variants of uncertain significance in accordance with ACMG guidelines (Richards et al., 2015)

NM_015057.5(MYCBP2):c.9175C>G (p.Pro3059Ala)

Gene: MYCBP2 (MYC binding protein 2; minus strand). Cytogenetic location: 13q22.3.
Variant type: single nucleotide variant.
Coding change: c.9175C>G on transcript NM_015057.5 (MANE Select); coding-DNA position 9175, C replaced by G.
Protein change: p.Pro3059Ala; replaces proline 3059 with alanine.
Molecular consequence: missense variant.
Genome position (GRCh38, 1-based): chr13:77,097,979, G>C on the plus strand (C>G on the coding strand, the complement: MYCBP2 is on the minus strand). VCF-style: chr13-77097979-G-C. GRCh37 (hg19) VCF-style: chr13-77672114-G-C.
Other names: short protein forms P3059A.
Identifiers: ClinVar variation 1712122 (VCV001712122.2), dbSNP rs758700342, ClinGen allele CA388389145.